The following is an entry in ClinVar:

ClinVar aggregate classification (germline): Uncertain significance (1 of 4 stars; one submission).

Conditions:
Hypertrophic cardiomyopathy 2. Also called: TNNT2-Related Familial Hypertrophic Cardiomyopathy. Identifiers: MedGen C1861864, MONDO:0007266, OMIM 115195.
Cardiomyopathy, familial restrictive, 3. Identifiers: Orphanet 75249, MedGen C2676271, MONDO:0012900, OMIM 612422.
Dilated cardiomyopathy 1D. Identifiers: Orphanet 154, Orphanet 54260, MedGen C1832243, MONDO:0011095, OMIM 601494.

Submission:

Labcorp Genetics (formerly Invitae), Labcorp
Classification: Uncertain significance for Cardiomyopathy, familial restrictive, 3; Hypertrophic cardiomyopathy 2; Dilated cardiomyopathy 1D. Last evaluated: 2017-03-14. Review status: criteria provided, single submitter. Criteria: Invitae Variant Classification Sherloc (09022015). Collection method: clinical testing. Allele origin: germline.
Comment: In summary, this variant is a novel missense change that is not predicted to affect protein function. There is no indication that it causes disease, but the available evidence is currently insufficient to prove that conclusively. Therefore, it has been classified as a Variant of Uncertain Significance. Algorithms developed to predict the effect of missense changes on protein structure and function (SIFT, PolyPhen-2, Align-GVGD) all suggest that this variant is likely to be tolerated, but these predictions have not been confirmed by published functional studies. This variant is not present in population databases (ExAC no frequency) and has not been reported in the literature in individuals with a TNNT2-related disease. This sequence change replaces valine with alanine at codon 263 of the TNNT2 protein (p.Val263Ala). The valine residue is moderately conserved and there is a small physicochemical difference between valine and alanine.

NM_001276345.2(TNNT2):c.818T>C (p.Val273Ala)

Gene: TNNT2 (troponin T2, cardiac type; minus strand). Cytogenetic location: 1q32.1.
Variant type: single nucleotide variant.
Coding change: c.818T>C on transcript NM_001276345.2 (MANE Select); coding-DNA position 818, T replaced by C.
Protein change: p.Val273Ala; replaces valine 273 with alanine.
Molecular consequence: missense variant.
Genome position (GRCh38, 1-based): chr1:201,359,656, A>G on the plus strand (T>C on the coding strand, the complement: TNNT2 is on the minus strand). VCF-style: chr1-201359656-A-G. GRCh37 (hg19) VCF-style: chr1-201328784-A-G.
Other names: c.770T>C, p.Val257Ala (NM_001001432.3); c.689T>C, p.Val230Ala (NM_001276346.2); c.788T>C, p.Val263Ala (NM_001276347.2, NM_001001430.3); c.809T>C, p.Val270Ala (NM_000364.4); c.779T>C, p.Val260Ala (NM_001001431.3); short protein forms V263A, V270A, V273A, V257A, V230A, V260A.
Identifiers: ClinVar variation 469530 (VCV000469530.8), dbSNP rs1553279354, ClinGen allele CA344202441.
Genomic context (GRCh38, chr1:201,359,656, plus strand): 5'-TAGGCGAGAATGACCTCAGACACTTACACTTTCTGGTTATCGTTGATCCTGTTTCGGAGA[A>G]CATTGATCTGCAAGAAAAGTGGGAAGGACAAAGAGCAACGCTGGAGCTGACTGGCTCAGG-3'
Protein context (NP_001263274.1, residues 263-283): KFKQQKYEIN[Val273Ala]LRNRINDNQK